The following is an entry in ClinVar:

NM_014476.6(PDLIM3):c.554T>C (p.Ile185Thr)

Gene: PDLIM3 (PDZ and LIM domain 3; minus strand). Cytogenetic location: 4q35.1.
Variant type: single nucleotide variant.
Coding change: c.554T>C on transcript NM_014476.6 (MANE Select); coding-DNA position 554, T replaced by C.
Protein change: p.Ile185Thr; replaces isoleucine 185 with threonine.
Molecular consequence: missense variant. On other transcripts: intron variant (3).
Genome position (GRCh38, 1-based): chr4:185,508,407, A>G on the plus strand (T>C on the coding strand, the complement: PDLIM3 is on the minus strand). VCF-style: chr4-185508407-A-G. GRCh37 (hg19) VCF-style: chr4-186429561-A-G.
Other names: c.162-1755T>C (NM_001257963.2); c.399-1755T>C (NM_001257962.2); c.519-1755T>C (NM_001114107.5); short protein forms I185T.
Identifiers: ClinVar variation 845418 (VCV000845418.10), dbSNP rs2095701355, ClinGen allele CA358923912.
Genomic context (GRCh38, chr4:185,508,407, plus strand): 5'-GTTTCCATAATATTGTCATCTGAGTACAACTGCATAGGTGTATTAAACTGAGCATGTACA[A>G]TCTTCACACCAGGAAGTTCCATTTCCAAAGGAATGTTAGGGGCCAGCTTAGCCGCAACTT-3'
Protein context (NP_055291.2, residues 175-195): PLEMELPGVK[Ile185Thr]VHAQFNTPMQ

ClinVar aggregate classification (germline): Uncertain significance (1 of 4 stars; one submission).

Conditions:
Primary dilated cardiomyopathy (DCM). Also called: Dilated Cardiomyopathy. Identifiers: Orphanet 217604, MedGen C0007193, MeSH D002311, MONDO:0005021, HP:0001644. Inheritance: Various modes of inheritance.
Hypertrophic cardiomyopathy. Also called: HYPERTROPHIC MYOCARDIOPATHY. Identifiers: Orphanet 217569, MedGen C0007194, MeSH D002312, MONDO:0005045, HP:0001639.

Allele frequency attached by ClinVar (database versions not stated): TOPMed 0.00001.

Submission:

Labcorp Genetics (formerly Invitae), Labcorp
Classification: Uncertain significance for Hypertrophic cardiomyopathy; Primary dilated cardiomyopathy. Last evaluated: 2025-06-01. Review status: criteria provided, single submitter. Criteria: Invitae Variant Classification Sherloc (09022015). Collection method: clinical testing. Allele origin: germline.
Comment: This sequence change replaces isoleucine, which is neutral and non-polar, with threonine, which is neutral and polar, at codon 185 of the PDLIM3 protein (p.Ile185Thr). This variant is not present in population databases (gnomAD no frequency). This variant has not been reported in the literature in individuals affected with PDLIM3-related conditions. ClinVar contains an entry for this variant (Variation ID: 845418). Invitae Evidence Modeling of protein sequence and biophysical properties (such as structural, functional, and spatial information, amino acid conservation, physicochemical variation, residue mobility, and thermodynamic stability) indicates that this missense variant is not expected to disrupt PDLIM3 protein function with a negative predictive value of 80%. In summary, the available evidence is currently insufficient to determine the role of this variant in disease. Therefore, it has been classified as a Variant of Uncertain Significance.